The following is an entry in ClinVar:

NM_152383.5(DIS3L2):c.452C>G (p.Pro151Arg)

Gene: DIS3L2 (DIS3 like 3'-5' exoribonuclease 2; plus strand). Cytogenetic location: 2q37.1.
Variant type: single nucleotide variant.
Coding change: c.452C>G on transcript NM_152383.5 (MANE Select); coding-DNA position 452, C replaced by G.
Protein change: p.Pro151Arg; replaces proline 151 with arginine.
Molecular consequence: missense variant. On other transcripts: non-coding transcript variant (2).
Genome position (GRCh38, 1-based): chr2:232,087,572, C>G. VCF-style: chr2-232087572-C-G. GRCh37 (hg19) VCF-style: chr2-232952282-C-G.
Other names: c.452C>G, p.Pro151Arg (NM_001257281.2, NM_001257282.2); short protein forms P151R.
Identifiers: ClinVar variation 1393874 (VCV001393874.8), dbSNP rs201279487, ClinGen allele CA351155004.
Genomic context (GRCh38, chr2:232,087,572, plus strand): 5'-AAGAAACAGAAGCTGCGTATGAATCAGATATCCCCGAGGAGCTCTGTGGACACCATCTCC[C>G]GCAACAGTCCCTGAAAAGCTATAATGACAGTCCTGATGTCATTGTAGAGGCTCAGTTTGA-3'
Protein context (NP_689596.4, residues 141-161): IPEELCGHHL[Pro151Arg]QQSLKSYNDS

ClinVar aggregate classification (germline): Uncertain significance (1 of 4 stars; one submission).

Conditions:
Perlman syndrome (PRLMNS). Identifiers: Orphanet 2849, MedGen C0796113, MONDO:0009965, OMIM 267000.

Submission:

Labcorp Genetics (formerly Invitae), Labcorp
Classification: Uncertain significance for Perlman syndrome. Last evaluated: 2021-01-11. Review status: criteria provided, single submitter. Criteria: Invitae Variant Classification Sherloc (09022015). Collection method: clinical testing. Allele origin: germline.
Comment: This sequence change replaces proline with arginine at codon 151 of the DIS3L2 protein (p.Pro151Arg). The proline residue is weakly conserved and there is a moderate physicochemical difference between proline and arginine. This variant is not present in population databases (ExAC no frequency). This variant has not been reported in the literature in individuals with DIS3L2-related conditions. Algorithms developed to predict the effect of missense changes on protein structure and function (SIFT, PolyPhen-2, Align-GVGD) all suggest that this variant is likely to be tolerated, but these predictions have not been confirmed by published functional studies and their clinical significance is uncertain. In summary, the available evidence is currently insufficient to determine the role of this variant in disease. Therefore, it has been classified as a Variant of Uncertain Significance.